The following is an entry in ClinVar:

NM_002618.4(PEX13):c.932G>A (p.Arg311His)

Gene: PEX13 (peroxisomal biogenesis factor 13; plus strand). Cytogenetic location: 2p15.
Variant type: single nucleotide variant.
Coding change: c.932G>A on transcript NM_002618.4 (MANE Select); coding-DNA position 932, G replaced by A.
Protein change: p.Arg311His; replaces arginine 311 with histidine.
Molecular consequence: missense variant.
Genome position (GRCh38, 1-based): chr2:61,048,490, G>A. VCF-style: chr2-61048490-G-A. GRCh37 (hg19) VCF-style: chr2-61275625-G-A.
Other names: short protein forms R311H.
Identifiers: ClinVar variation 895452 (VCV000895452.7), dbSNP rs147344836, ClinGen allele CA1673402.

ClinVar aggregate classification (germline): Uncertain significance. Review status: criteria provided, multiple submitters, no conflicts (2 of 4 stars). 2 submissions from 2 submitters: Uncertain significance (2). Last evaluated 2022-10-24.

Conditions:
Peroxisome biogenesis disorder 11A (Zellweger). Also called: Peroxisome biogenesis disorder 11A. Identifiers: Orphanet 912, MedGen C3554000, MONDO:0013949, OMIM 614883.

Allele frequency attached by ClinVar (database versions not stated): gnomAD 0.00002; gnomAD exomes 0.00002 and 0.00005; TOPMed 0.00002; ExAC 0.00005; ESP Exome Variant Server 0.00008.
gnomAD v4.1: 41 of 1,613,724 alleles (0.0025%); highest among the groups gnomAD compares: South Asian, 0.0022%; no homozygotes.

Submissions (2):

Labcorp Genetics (formerly Invitae), Labcorp
Classification: Uncertain significance for Peroxisome biogenesis disorder 11A (Zellweger). Last evaluated: 2022-10-24. Review status: criteria provided, single submitter. Criteria: Invitae Variant Classification Sherloc (09022015). Collection method: clinical testing. Allele origin: germline.
Comment: This sequence change replaces arginine, which is basic and polar, with histidine, which is basic and polar, at codon 311 of the PEX13 protein (p.Arg311His). This variant is present in population databases (rs147344836, gnomAD 0.1%). This variant has not been reported in the literature in individuals affected with PEX13-related conditions. ClinVar contains an entry for this variant (Variation ID: 895452). Advanced modeling of protein sequence and biophysical properties (such as structural, functional, and spatial information, amino acid conservation, physicochemical variation, residue mobility, and thermodynamic stability) has been performed at Invitae for this missense variant, however the output from this modeling did not meet the statistical confidence thresholds required to predict the impact of this variant on PEX13 protein function. In summary, the available evidence is currently insufficient to determine the role of this variant in disease. Therefore, it has been classified as a Variant of Uncertain Significance.

Illumina Laboratory Services, Illumina
Classification: Uncertain significance for Peroxisome biogenesis disorder 11A (Zellweger). Last evaluated: 2018-01-13. Review status: criteria provided, single submitter. Criteria: ICSL Variant Classification Criteria 13 December 2019. Collection method: clinical testing. Allele origin: germline.